The following is an entry in ClinVar:

NM_000218.3(KCNQ1):c.1514+15481A>G

Genes: KCNQ1 (potassium voltage-gated channel subfamily Q member 1; plus strand), KCNQ1OT1 (KCNQ1 opposite strand/antisense transcript 1; minus strand). Cytogenetic location: 11p15.5.
Variant type: single nucleotide variant.
Coding change: c.1514+15481A>G on transcript NM_000218.3 (MANE Select); 15481 bases into the intron after coding-DNA position 1514, A replaced by G.
Molecular consequence: intron variant. On other transcripts: non-coding transcript variant (1).
Genome position (GRCh38, 1-based): chr11:2,677,562, A>G. VCF-style: chr11-2677562-A-G. GRCh37 (hg19) VCF-style: chr11-2698792-A-G.
Other names: c.1244+15481A>G (NM_001406837.1); c.1418+15481A>G (NM_001406836.1); c.974+15481A>G (NM_001406838.1); c.1133+15481A>G (NM_181798.2).
Identifiers: ClinVar variation 3905548 (VCV003905548.10).

ClinVar aggregate classification (germline): Likely benign (1 of 4 stars; one submission).

gnomAD v4.1: 631 of 398,644 alleles (0.16%); highest among the groups gnomAD compares: African/African-American, 1.2%; 1 homozygote.

Submission:

CeGaT Center for Human Genetics Tuebingen
Classification: Likely benign. Last evaluated: 2026-05-01. Review status: criteria provided, single submitter. Criteria: CeGaT Center For Human Genetics Tuebingen Variant Classification Criteria Version 2. Collection method: clinical testing. Allele origin: germline. Affected: yes. Observed: 3 variant alleles.
Comment: KCNQ1OT1: BS1